The following is an entry in ClinVar:

NM_015192.4(PLCB1):c.3052A>G (p.Asn1018Asp)

Gene: PLCB1 (phospholipase C beta 1; plus strand). Cytogenetic location: 20p12.3.
Variant type: single nucleotide variant.
Coding change: c.3052A>G on transcript NM_015192.4 (MANE Select); coding-DNA position 3052, A replaced by G.
Protein change: p.Asn1018Asp; replaces asparagine 1018 with aspartic acid.
Molecular consequence: missense variant.
Genome position (GRCh38, 1-based): chr20:8,774,660, A>G. VCF-style: chr20-8774660-A-G. GRCh37 (hg19) VCF-style: chr20-8755307-A-G.
Other names: c.3052A>G, p.Asn1018Asp (NM_182734.3); short protein forms N1018D.
Identifiers: ClinVar variation 1060036 (VCV001060036.9), dbSNP rs2146203906, ClinGen allele CA408209273.

ClinVar aggregate classification (germline): Uncertain significance (1 of 4 stars; one submission).

Conditions:
Developmental and epileptic encephalopathy, 12 (DEE12). Identifiers: MedGen C3150988, MONDO:0013389, OMIM 613722.

Submission:

Labcorp Genetics (formerly Invitae), Labcorp
Classification: Uncertain significance for Developmental and epileptic encephalopathy, 12. Last evaluated: 2022-07-05. Review status: criteria provided, single submitter. Criteria: Invitae Variant Classification Sherloc (09022015). Collection method: clinical testing. Allele origin: germline.
Comment: In summary, the available evidence is currently insufficient to determine the role of this variant in disease. Therefore, it has been classified as a Variant of Uncertain Significance. Algorithms developed to predict the effect of missense changes on protein structure and function (SIFT, PolyPhen-2, Align-GVGD) all suggest that this variant is likely to be tolerated. ClinVar contains an entry for this variant (Variation ID: 1060036). This variant has not been reported in the literature in individuals affected with PLCB1-related conditions. This variant is not present in population databases (gnomAD no frequency). This sequence change replaces asparagine, which is neutral and polar, with aspartic acid, which is acidic and polar, at codon 1018 of the PLCB1 protein (p.Asn1018Asp).